The following is an entry in ClinVar:

ClinVar aggregate classification (germline): Uncertain significance. Review status: criteria provided, multiple submitters, no conflicts (2 of 4 stars). 2 submissions from 2 submitters: Uncertain significance (2). Last evaluated 2024-02-02.

Submissions (2):

Labcorp Genetics (formerly Invitae), Labcorp
Classification: Uncertain significance. Last evaluated: 2024-02-02. Review status: criteria provided, single submitter. Criteria: Invitae Variant Classification Sherloc (09022015). Collection method: clinical testing. Allele origin: germline.
Comment: This variant, c.2146_2151del, results in the deletion of 2 amino acid(s) of the ZNF408 protein (p.Val716_Glu717del), but otherwise preserves the integrity of the reading frame. This variant is not present in population databases (gnomAD no frequency). This variant has not been reported in the literature in individuals affected with ZNF408-related conditions. Experimental studies and prediction algorithms are not available or were not evaluated, and the functional significance of this variant is currently unknown. In summary, the available evidence is currently insufficient to determine the role of this variant in disease. Therefore, it has been classified as a Variant of Uncertain Significance.

Blueprint Genetics
Classification: Uncertain significance. Last evaluated: 2019-10-28. Review status: criteria provided, single submitter. Criteria: ACMG Guidelines, 2015. Collection method: clinical testing. Allele origin: germline.

NM_024741.3(ZNF408):c.2140GTGGAG[1] (p.714VE[1])

Gene: ZNF408 (zinc finger protein 408; plus strand). Cytogenetic location: 11p11.2.
Variant type: Microsatellite.
Coding change: c.2140GTGGAG[1] on transcript NM_024741.3 (MANE Select); one copy of the 6-base unit GTGGAG starting at c.2140; the reference has two copies in a row; one copy, 6 bases deleted.
Protein change: p.714VE[1].
Genome position (GRCh38, 1-based): chr11:46,705,846-46,705,851, GTGGAG deleted; deleting any 6 consecutive bases within chr11:46,705,839-46,705,851 gives the same sequence; the position shown is the placement nearest the transcript's 3' end. VCF-style (leftmost placement, unchanged base first): chr11-46705838-TGGTGGA-T. GRCh37 (hg19) VCF-style: chr11-46727388-TGGTGGA-T.
Other names: c.2116GTGGAG[1], p.706VE[1] (NM_001184751.2).
Identifiers: ClinVar variation 3681493 (VCV003681493.3).